The following is an entry in ClinVar:

ClinVar aggregate classification (germline): Uncertain significance. Review status: criteria provided, multiple submitters, no conflicts (2 of 4 stars). 2 submissions from 2 submitters: Uncertain significance (2). Last evaluated 2025-12-27.

Allele frequency attached by ClinVar (database versions not stated): ESP Exome Variant Server 0.00015; gnomAD exomes 0.00015 and 0.00018; TOPMed 0.00017; gnomAD 0.00019; ExAC 0.00021.
gnomAD v4.1: 289 of 1,610,092 alleles (0.018%); highest among the groups gnomAD compares: South Asian, 0.054%; 3 homozygotes.

Submissions (2):

Labcorp Genetics (formerly Invitae), Labcorp
Classification: Uncertain significance. Last evaluated: 2025-12-27. Review status: criteria provided, single submitter. Criteria: Invitae Variant Classification Sherloc (09022015). Collection method: clinical testing. Allele origin: germline.
Comment: This sequence change replaces arginine, which is basic and polar, with histidine, which is basic and polar, at codon 460 of the MKL1 protein (p.Arg460His). This variant is present in population databases (rs140573764, gnomAD 0.04%). This variant has not been reported in the literature in individuals affected with MKL1-related conditions. ClinVar contains an entry for this variant (Variation ID: 1000907). An algorithm developed to predict the effect of missense changes on protein structure and function (PolyPhen-2) suggests that this variant is likely to be disruptive. In summary, the available evidence is currently insufficient to determine the role of this variant in disease. Therefore, it has been classified as a Variant of Uncertain Significance.

Blueprint Genetics
Classification: Uncertain significance. Last evaluated: 2024-10-10. Review status: criteria provided, single submitter. Criteria: ACMG Guidelines, 2015. Collection method: clinical testing. Allele origin: germline.

NM_020831.6(MRTFA):c.1679G>A (p.Arg560His)

Gene: MRTFA (myocardin related transcription factor A; minus strand). Cytogenetic location: 22q13.1.
Variant type: single nucleotide variant.
Coding change: c.1679G>A on transcript NM_020831.6 (MANE Select); coding-DNA position 1679, G replaced by A.
Protein change: p.Arg560His; replaces arginine 560 with histidine.
Molecular consequence: missense variant.
Genome position (GRCh38, 1-based): chr22:40,419,059, C>T on the plus strand (G>A on the coding strand, the complement: MRTFA is on the minus strand). VCF-style: chr22-40419059-C-T. GRCh37 (hg19) VCF-style: chr22-40815063-C-T.
Other names: c.1379G>A, p.Arg460His (NM_001282660.2); c.1529G>A, p.Arg510His (NM_001282661.3); c.1679G>A, p.Arg560His (NM_001282662.3); c.1484G>A, p.Arg495His (NM_001318139.2); short protein forms R460H, R495H, R510H, R560H.
Identifiers: ClinVar variation 1000907 (VCV001000907.7), dbSNP rs140573764, ClinGen allele CA10249594.